The following is an entry in ClinVar:

ClinVar aggregate classification (germline): Uncertain significance. Review status: reviewed by expert panel (3 of 4 stars). 2 submissions from 2 submitters: Uncertain significance (1). 1 of the submissions does not count toward it. Last evaluated 2025-12-16.

Conditions:
Glanzmann thrombasthenia. Also called: BLEEDING DISORDER, PLATELET-TYPE, 2; THROMBASTHENIA OF GLANZMANN AND NAEGELI; Thrombasthenia; PLATELET GLYCOPROTEIN IIb-IIIa DEFICIENCY; Glanzmann's thrombasthenia. Identifiers: Orphanet 849, MedGen C0040015, MONDO:0100326.

Allele frequency attached by ClinVar (database versions not stated): gnomAD exomes below 0.00001; TOPMed below 0.00001; gnomAD 0.00001.
gnomAD v4.1: 3 of 1,614,164 alleles (0.00019%); highest among the groups gnomAD compares: Non-Finnish European, 0.00025%; no homozygotes.

Submissions (2):

ClinGen Platelet Disorders Variant Curation Expert Panel, ClinGen
Classification: Uncertain significance for Glanzmann thrombasthenia. Last evaluated: 2025-12-16. Review status: reviewed by expert panel. Criteria: ClinGen Platelet ACMG Specifications v2-1. Collection method: curation. Allele origin: germline. Inheritance: Autosomal recessive inheritance.
Comment: The variant NM_000212.3(ITGB3):c.1818G>T is a missense variant causing a substitution of lysine for asparagine at amino acid position 606. The highest population minor allele frequency in gnomAD v4.1 is 0.000002542 (3/1180060 alleles) in the European (Non-Finnish) genetic ancestry group, which is lower than the ClinGen PD VCEP threshold (<0.0001; PM2_Supporting). The computational predictor REVEL gives a score of REVEL gives a score of 0.202, which is below the ClinGen PD VCEP threshold of <0.25 and predicts no damaging effect on ITGB3 function. The variant was identified in relation to Neonatal alloimmune thrombocytopenia (PMID:22116617), and has not been associated with any individuals with Glanzmann thrombasthenia thus far in the scientific literature or in the GT database. In summary, this variant meets the criteria to be classified as Uncertain significance - insufficient evidence for autosomal recessive Glanzmann Thrombasthenia based on ACMG/AMP criteria applied, as specified by the ClinGen PD VCEP: BP4 and PM2_supporting.

Women's Health and Genetics/Laboratory Corporation of America, LabCorp
Classification: Uncertain significance. Last evaluated: 2025-01-21. Review status: criteria provided, single submitter. Criteria: LabCorp Variant Classification Summary - May 2015. Collection method: clinical testing. Allele origin: germline. Not counted in ClinVar's aggregate classification.
Comment: Variant summary: ITGB3 c.1818G>T (p.Lys606Asn) results in a non-conservative amino acid change located in the EGF-like domain (IPR013111) of the encoded protein sequence. Three of five in-silico tools predict a benign effect of the variant on protein function. The variant allele was found at a frequency of 4e-06 in 251458 control chromosomes. The available data on variant occurrences in the general population are insufficient to allow any conclusion about variant significance. c.1818G>T has been reported in the literature in at least one individual affected with neonatal alloimmune thrombocytopenia, however these report(s) do not provide unequivocal conclusions about association of the variant with Glanzmann Thrombasthenia 2 (e.g., Sachs_2012). To our knowledge, no experimental evidence demonstrating an impact on protein function has been reported. The following publication has been ascertained in the context of this evaluation (PMID: 22116617). ClinVar contains an entry for this variant (Variation ID: 2498351). Based on the evidence outlined above, the variant was classified as uncertain significance.

Literature cited by the submitters: PubMed 22116617 (cited by Women's Health and Genetics/Laboratory Corporation of America, LabCorp).

NM_000212.3(ITGB3):c.1818G>T (p.Lys606Asn)

Gene: ITGB3 (integrin subunit beta 3; plus strand). Cytogenetic location: 17q21.32.
Variant type: single nucleotide variant.
Coding change: c.1818G>T on transcript NM_000212.3 (MANE Select); coding-DNA position 1818, G replaced by T.
Protein change: p.Lys606Asn; replaces lysine 606 with asparagine.
Molecular consequence: missense variant.
Genome position (GRCh38, 1-based): chr17:47,299,435, G>T. VCF-style: chr17-47299435-G-T. GRCh37 (hg19) VCF-style: chr17-45376801-G-T.
Other names: NM_000212.3:c.1818G>T; short protein forms K606N.
Identifiers: ClinVar variation 2498351 (VCV002498351.5), dbSNP rs1156382155, ClinGen allele CA400032606.